The following is an entry in ClinVar:

ClinVar aggregate classification (germline): Likely benign (1 of 4 stars; one submission).

Allele frequency attached by ClinVar (database versions not stated): 1000 Genomes Project 30x 0.00031; 1000 Genomes Project 0.00040; gnomAD 0.00143; TOPMed 0.00145; ESP Exome Variant Server 0.00163; gnomAD exomes 0.00194; ExAC 0.00197.
gnomAD v4.1: 3,033 of 1,598,656 alleles (0.19%); highest among the groups gnomAD compares: Non-Finnish European, 0.23%; 3 homozygotes.

Submission:

CeGaT Center for Human Genetics Tuebingen
Classification: Likely benign. Last evaluated: 2022-04-01. Review status: criteria provided, single submitter. Criteria: CeGaT Center For Human Genetics Tuebingen Variant Classification Criteria Version 2. Collection method: clinical testing. Allele origin: germline. Affected: yes. Observed: 1 variant allele.
Comment: LCN1: BP4, BP7

NM_002297.4(LCN1):c.162G>A (p.Val54=)

Gene: LCN1 (lipocalin 1; plus strand). Cytogenetic location: 9q34.3.
Variant type: single nucleotide variant.
Coding change: c.162G>A on transcript NM_002297.4 (MANE Select); coding-DNA position 162, G replaced by A.
Protein change: p.Val54=; no amino-acid change (valine 54 retained).
Molecular consequence: synonymous variant.
Genome position (GRCh38, 1-based): chr9:135,522,118, G>A. VCF-style: chr9-135522118-G-A. GRCh37 (hg19) VCF-style: chr9-138413964-G-A.
Other names: c.162G>A, p.Val54= (NM_001252617.2, NM_001252618.2, NM_001252619.2).
Identifiers: ClinVar variation 2659710 (VCV002659710.24), dbSNP rs141659926, ClinGen allele CA5324136.